The following is an entry in ClinVar:

ClinVar aggregate classification (germline): Likely pathogenic (1 of 4 stars; one submission).

Conditions:
Cardiovascular phenotype. Identifiers: MedGen CN230736.

Submission:

Ambry Genetics
Classification: Likely pathogenic for Cardiovascular phenotype. Last evaluated: 2024-03-07. Review status: criteria provided, single submitter. Criteria: Ambry Variant Classification Scheme 2023. Collection method: clinical testing. Allele origin: germline.
Comment: The c.9813delT variant, located in coding exon 40 of the TTN gene, results from a deletion of one nucleotide at nucleotide position 9813, causing a translational frameshift with a predicted alternate stop codon (p.Y3271*). This exon is located in the I-band region of the N2-B isoform of the titin protein and is constitutively expressed in TTN transcripts (percent spliced in or PSI 100%). This alteration is expected to result in loss of function by premature protein truncation or nonsense-mediated mRNA decay. While truncating variants in TTN are present in 1-3% of the general population, truncating variants in the A-band are the most common cause of dilated cardiomyopathy (DCM) (Herman DS et al. N. Engl. J. Med., 2012 Feb;366:619-28; Roberts AM et al. Sci Transl Med, 2015 Jan;7:270ra6). TTN truncating variants encoded in constitutive exons (PSI >90%) have been found to be significantly associated with DCM regardless of their position in titin (Schafer S et al. Nat. Genet., 2017 01;49:46-53). This variant is considered to be rare based on population cohorts in the Genome Aggregation Database (gnomAD). Based on the majority of available evidence to date, this variant is likely to be pathogenic.

NM_001267550.2(TTN):c.9951del (p.Asp3316_Tyr3317insTer)

Gene: TTN (titin; minus strand). Cytogenetic location: 2q31.2.
Variant type: Deletion.
Coding change: c.9951del on transcript NM_001267550.2 (MANE Select); coding-DNA position 9951, one base deleted (T; older notation c.9951delT).
Protein change: p.Asp3316_Tyr3317insTer.
Molecular consequence: nonsense.
Genome position (GRCh38, 1-based): chr2:178,764,564, A deleted on the plus strand (T on the coding strand, the reverse complement: TTN is on the minus strand). VCF-style (leftmost placement, unchanged base first): chr2-178764563-CA-C. GRCh37 (hg19) VCF-style: chr2-179629290-CA-C.
Other names: c.9951del, p.Asp3316_Tyr3317insTer (NM_001256850.1, NM_133378.4, NM_133379.5); c.9813del, p.Asp3270_Tyr3271insTer (NM_003319.4, NM_133432.3, NM_133437.4); c.9813delT (NM_003319.4).
Identifiers: ClinVar variation 3223376 (VCV003223376.1), dbSNP rs2532184386, ClinGen allele CA2825001006.